The following is an entry in ClinVar:

NM_138694.4(PKHD1):c.7027del (p.Tyr2343fs)

Gene: PKHD1 (PKHD1 ciliary IPT domain containing fibrocystin/polyductin; minus strand). Cytogenetic location: 6p12.2.
Variant type: Deletion.
Coding change: c.7027del on transcript NM_138694.4 (MANE Select); coding-DNA position 7027, one base deleted (T; older notation c.7027delT).
Protein change: p.Tyr2343fs; shifts the reading frame from tyrosine 2343.
Molecular consequence: frameshift variant.
Genome position (GRCh38, 1-based): chr6:51,887,215, A deleted on the plus strand (T on the coding strand, the reverse complement: PKHD1 is on the minus strand). VCF-style (leftmost placement, unchanged base first): chr6-51887214-TA-T. GRCh37 (hg19) VCF-style: chr6-51752012-TA-T.
Other names: c.7027del, p.Tyr2343fs (NM_170724.3); short protein forms Y2343fs.
Identifiers: ClinVar variation 4816730 (VCV004816730.1).

ClinVar aggregate classification (germline): Likely pathogenic (1 of 4 stars; one submission).

Conditions:
Autosomal recessive polycystic kidney disease (ARPKD). Also called: AR polycystic kidney disease. Identifiers: Orphanet 731, Orphanet 8378, MedGen C0085548, MeSH D017044, MONDO:0009889.

Submission:

Natera, Inc.
Classification: Likely pathogenic for Autosomal recessive polycystic kidney disease. Last evaluated: 2025-12-02. Review status: criteria provided, single submitter. Criteria: Natera Variant Classification Schema (03/2026). Collection method: clinical testing. Allele origin: germline.
Comment: The c.7027del variant in PKHD1 is a frameshift variant predicted to shift the reading frame beginning at codon 2343 and leads to a stop codon 6 codons downstream. This variant is expected to result in nonsense mediated decay, truncation, or a dysfunctional protein product. This variant is rare in the general population with a frequency below the threshold expected for the associated phenotype(s). Given the available evidence, this variant is classified as Likely Pathogenic.